The following is an entry in ClinVar:

NM_000171.4(GLRA1):c.1139_1162del (p.Ile380_Asn387del)

Gene: GLRA1 (glycine receptor alpha 1; minus strand). Cytogenetic location: 5q33.1.
Variant type: Deletion.
Coding change: c.1139_1162del on transcript NM_000171.4 (MANE Select); coding-DNA positions 1139 to 1162, 24 bases deleted (TCTCAGTCAAGGGCGCCAACAACA).
Protein change: p.Ile380_Asn387del.
Molecular consequence: inframe deletion.
Genome position (GRCh38, 1-based): chr5:151,822,861-151,822,884, TGTTGTTGGCGCCCTTGACTGAGA deleted on the plus strand (TCTCAGTCAAGGGCGCCAACAACA on the coding strand, the reverse complement: GLRA1 is on the minus strand); deleting any 24 consecutive bases within chr5:151,822,861-151,822,886 gives the same sequence; the c. name uses the placement nearest the transcript's 3' end. VCF-style (leftmost placement, unchanged base first): chr5-151822860-CTGTTGTTGGCGCCCTTGACTGAGA-C. GRCh37 (hg19) VCF-style: chr5-151202421-CTGTTGTTGGCGCCCTTGACTGAGA-C.
Other names: c.1163_1186del, p.Ile388_Asn395del (NM_001146040.2); c.890_913del, p.Ile297_Asn304del (NM_001292000.2).
Identifiers: ClinVar variation 2074935 (VCV002074935.4), dbSNP rs2479887099, ClinGen allele CA2580073916.

ClinVar aggregate classification (germline): Uncertain significance (1 of 4 stars; one submission).

Conditions:
Hereditary hyperekplexia. Identifiers: Orphanet 3197, MedGen C4084968, MONDO:0021022.

Submission:

Labcorp Genetics (formerly Invitae), Labcorp
Classification: Uncertain significance for Hereditary hyperekplexia. Last evaluated: 2024-04-05. Review status: criteria provided, single submitter. Criteria: Invitae Variant Classification Sherloc (09022015). Collection method: clinical testing. Allele origin: germline.
Comment: This variant, c.1139_1162del, results in the deletion of 8 amino acid(s) of the GLRA1 protein (p.Ile380_Asn387del), but otherwise preserves the integrity of the reading frame. This variant is not present in population databases (gnomAD no frequency). This variant has not been reported in the literature in individuals affected with GLRA1-related conditions. ClinVar contains an entry for this variant (Variation ID: 2074935). Experimental studies and prediction algorithms are not available or were not evaluated, and the functional significance of this variant is currently unknown. In summary, the available evidence is currently insufficient to determine the role of this variant in disease. Therefore, it has been classified as a Variant of Uncertain Significance.